The following is an entry in ClinVar:

NM_000540.3(RYR1):c.10707G>C (p.Leu3569=)

Gene: RYR1 (ryanodine receptor 1; plus strand). Cytogenetic location: 19q13.2.
Variant type: single nucleotide variant.
Coding change: c.10707G>C on transcript NM_000540.3 (MANE Select); coding-DNA position 10707, G replaced by C.
Protein change: p.Leu3569=; no amino-acid change (leucine 3569 retained).
Molecular consequence: synonymous variant.
Genome position (GRCh38, 1-based): chr19:38,527,667, G>C. VCF-style: chr19-38527667-G-C. GRCh37 (hg19) VCF-style: chr19-39018307-G-C.
Other names: c.10692G>C, p.Leu3564= (NM_001042723.2).
Identifiers: ClinVar variation 1610202 (VCV001610202.9), dbSNP rs2145719865, ClinGen allele CA507237533.

ClinVar aggregate classification (germline): Likely benign. Review status: criteria provided, multiple submitters, no conflicts (2 of 4 stars). 2 submissions from 2 submitters: Likely benign (2). Last evaluated 2023-10-02.

Conditions:
Malignant hyperthermia, susceptibility to, 1 (MHS1). Also called: Malignant hyperthermia suceptibility 1; Anesthesia related hyperthermia; Malignant hyperpyrexia; Fulminating hyperpyrexia; Pharmacogenic myopathy; RYR1-Related Malignant Hyperthermia Susceptibility. Identifiers: Orphanet 423, MedGen C2930980, MONDO:0007783, OMIM 145600.
RYR1-related disorder. Also called: RYR1-related disorders; RYR1-related condition. Identifiers: MedGen CN239331.

Allele frequency attached by ClinVar (database versions not stated): gnomAD exomes below 0.00001.
gnomAD v4.1: 3 of 1,614,170 alleles (0.00019%); highest among the groups gnomAD compares: Middle Eastern, 0.033%; no homozygotes.

Submissions (2):

All of Us Research Program, National Institutes of Health
Classification: Likely benign for Malignant hyperthermia, susceptibility to, 1. Last evaluated: 2023-10-02. Review status: criteria provided, single submitter. Criteria: ACMG Guidelines, 2015. Collection method: clinical testing. Allele origin: germline. Inheritance: Autosomal dominant inheritance. Observed: 1 variant allele, 1 heterozygote.
Comment: This study involves interpretation of variants in research participants for the purpose of population health screening. Participant phenotype was not available at the time of variant classification. Additional details can be found in publication PMID: 35346344, PMCID: PMC8962531

Labcorp Genetics (formerly Invitae), Labcorp
Classification: Likely benign for RYR1-related disorder. Last evaluated: 2023-02-04. Review status: criteria provided, single submitter. Criteria: Invitae Variant Classification Sherloc (09022015). Collection method: clinical testing. Allele origin: germline.